The following is an entry in ClinVar:

NM_006580.4(CLDN16):c.-41G>T

Gene: CLDN16 (claudin 16; plus strand). Cytogenetic location: 3q28.
Variant type: single nucleotide variant.
Coding change: c.-41G>T on transcript NM_006580.4 (MANE Select); 41 bases upstream of the start codon, G replaced by T.
Molecular consequence: 5 prime UTR variant.
Genome position (GRCh38, 1-based): chr3:190,388,289, G>T. VCF-style: chr3-190388289-G-T. GRCh37 (hg19) VCF-style: chr3-190106078-G-T.
Other names: c.170G>T (NM_006580.3); c.-41G>T (NM_001378492.1, NM_001378493.1).
Identifiers: ClinVar variation 2173439 (VCV002173439.5), dbSNP rs149955797, ClinGen allele CA2753715.

ClinVar aggregate classification (germline): Uncertain significance. Review status: criteria provided, multiple submitters, no conflicts (2 of 4 stars). 3 submissions from 3 submitters: Uncertain significance (3). Last evaluated 2026-06-04.

Conditions:
Inborn genetic diseases. Identifiers: MedGen C0950123, MeSH D030342.
CLDN16-related disorder. Also called: CLDN16-related condition.

Allele frequency attached by ClinVar (database versions not stated): gnomAD exomes 0.00007; TOPMed 0.00008; ExAC 0.00011; gnomAD 0.00011; ESP Exome Variant Server 0.00015.
gnomAD v4.1: 120 of 1,605,984 alleles (0.0075%); highest among the groups gnomAD compares: Middle Eastern, 0.017%; no homozygotes.

Submissions (3):

PreventionGenetics, part of Exact Sciences
Classification: Uncertain significance for CLDN16-related condition. Last evaluated: 2026-06-04. Review status: criteria provided, single submitter. Criteria: ACMG Guidelines, 2015. Collection method: clinical testing. Allele origin: germline.
Comment: The CLDN16 c.170G>T variant is predicted to result in the amino acid substitution p.Gly57Val. To our knowledge, this variant has not been reported in the literature. This variant is reported in 0.020% of alleles in individuals of European (Non-Finnish) descent in gnomAD. At this time, the clinical significance of this variant is uncertain due to the absence of conclusive functional and genetic evidence.

Labcorp Genetics (formerly Invitae), Labcorp
Classification: Uncertain significance. Last evaluated: 2025-11-08. Review status: criteria provided, single submitter. Criteria: Invitae Variant Classification Sherloc (09022015). Collection method: clinical testing. Allele origin: germline.
Comment: This sequence change replaces glycine, which is neutral and non-polar, with valine, which is neutral and non-polar, at codon 57 of the CLDN16 protein (p.Gly57Val). This variant is present in population databases (rs149955797, gnomAD 0.02%). This variant has not been reported in the literature in individuals affected with CLDN16-related conditions. ClinVar contains an entry for this variant (Variation ID: 2173439). Invitae Evidence Modeling of protein sequence and biophysical properties (such as structural, functional, and spatial information, amino acid conservation, physicochemical variation, residue mobility, and thermodynamic stability) indicates that this missense variant is not expected to disrupt CLDN16 protein function with a negative predictive value of 95%. In summary, the available evidence is currently insufficient to determine the role of this variant in disease. Therefore, it has been classified as a Variant of Uncertain Significance.

Ambry Genetics
Classification: Uncertain significance for Inborn genetic diseases. Last evaluated: 2023-05-26. Review status: criteria provided, single submitter. Criteria: Ambry Variant Classification Scheme 2023. Collection method: clinical testing. Allele origin: germline.